The following is an entry in ClinVar:

ClinVar aggregate classification (germline): Pathogenic (1 of 4 stars; one submission).

Conditions:
Arrhythmogenic cardiomyopathy with wooly hair and keratoderma. Also called: PALMOPLANTAR KERATODERMA WITH LEFT VENTRICULAR CARDIOMYOPATHY AND WOOLLY HAIR; Carvajal syndrome; Dilated cardiomyopathy with woolly hair and keratoderma; Arrhythmogenic cardiomyopathy with woolly hair and keratoderma. Identifiers: Orphanet 65282, MedGen C1854063, MONDO:0011581, OMIM 605676.
Arrhythmogenic right ventricular dysplasia 8 (ARVD8). Also called: ARRHYTHMOGENIC RIGHT VENTRICULAR CARDIOMYOPATHY 8; ARRHYTHMOGENIC RIGHT VENTRICULAR DYSPLASIA, FAMILIAL, 8; Arrhythmogenic Right Ventricular Dysplasia/Cardiomyopathy 8. Identifiers: MedGen C1843896, MONDO:0011831, OMIM 607450.

Submission:

Labcorp Genetics (formerly Invitae), Labcorp
Classification: Pathogenic for Arrhythmogenic cardiomyopathy with wooly hair and keratoderma; Arrhythmogenic right ventricular dysplasia 8. Last evaluated: 2021-12-29. Review status: criteria provided, single submitter. Criteria: Invitae Variant Classification Sherloc (09022015). Collection method: clinical testing. Allele origin: germline.
Comment: For these reasons, this variant has been classified as Pathogenic. This variant disrupts a region of the DSP protein in which other variant(s) (p.Glu2728Glyfs*11) have been determined to be pathogenic (Invitae). This suggests that this is a clinically significant region of the protein, and that variants that disrupt it are likely to be disease-causing. This variant has not been reported in the literature in individuals affected with DSP-related conditions. This variant is not present in population databases (gnomAD no frequency). This sequence change creates a premature translational stop signal (p.Lys1892Argfs*38) in the DSP gene. While this is not anticipated to result in nonsense mediated decay, it is expected to disrupt the last 980 amino acid(s) of the DSP protein.

NM_004415.4(DSP):c.5673_5674dup (p.Lys1892fs)

Gene: DSP (desmoplakin; plus strand). Cytogenetic location: 6p24.3.
Variant type: Microsatellite.
Coding change: c.5673_5674dup on transcript NM_004415.4 (MANE Select); coding-DNA positions 5673 to 5674, 2 bases duplicated (GA; older notation c.5673_5674dupGA).
Protein change: p.Lys1892fs; shifts the reading frame from lysine 1892.
Molecular consequence: frameshift variant.
Genome position (GRCh38, 1-based): chr6:7,582,935-7,582,936, GA duplicated; duplicating any 2 consecutive bases within chr6:7,582,927-7,582,936 gives the same sequence; the c. name uses the placement nearest the transcript's 3' end. VCF-style (leftmost placement, unchanged base first): chr6-7582926-T-TGA. GRCh37 (hg19) VCF-style: chr6-7583159-T-TGA.
Other names: c.3876_3877dup, p.Lys1293fs (NM_001008844.3); c.4344_4345dup, p.Lys1449fs (NM_001319034.2); short protein forms K1449fs, K1293fs, K1892fs.
Identifiers: ClinVar variation 1417164 (VCV001417164.6), dbSNP rs1487814687, ClinGen allele CA645552057.